The following is an entry in ClinVar:

NM_006005.3(WFS1):c.-331G>T

Gene: WFS1 (wolframin ER transmembrane glycoprotein; plus strand). Cytogenetic location: 4p16.1.
Variant type: single nucleotide variant.
Coding change: c.-331G>T on transcript NM_006005.3 (MANE Select); 331 bases upstream of the start codon, G replaced by T.
Genome position (GRCh38, 1-based): chr4:6,269,689, G>T. VCF-style: chr4-6269689-G-T. GRCh37 (hg19) VCF-style: chr4-6271416-G-T.
Identifiers: ClinVar variation 684340 (VCV000684340.1), dbSNP rs4273545, ClinGen allele CA11677666.

ClinVar aggregate classification (germline): Benign (1 of 4 stars; one submission).

Allele frequency attached by ClinVar (database versions not stated): gnomAD 0.54624 and 0.55718; TOPMed 0.55954; 1000 Genomes Project 30x 0.62883; 1000 Genomes Project 0.63598.

Submission:

GeneDx
Classification: Benign. Last evaluated: 2018-06-14. Review status: criteria provided, single submitter. Criteria: GeneDx Variant Classification (06012015). Collection method: clinical testing. Allele origin: germline. Affected: yes.
Comment: This variant is considered likely benign or benign based on one or more of the following criteria: it is a conservative change, it occurs at a poorly conserved position in the protein, it is predicted to be benign by multiple in silico algorithms, and/or has population frequency not consistent with disease.